The following is an entry in ClinVar:

NM_001363.5(DKC1):c.1006A>G (p.Ile336Val)

Gene: DKC1 (dyskerin pseudouridine synthase 1; plus strand). Cytogenetic location: Xq28.
Variant type: single nucleotide variant.
Coding change: c.1006A>G on transcript NM_001363.5 (MANE Select); coding-DNA position 1006, A replaced by G.
Protein change: p.Ile336Val; replaces isoleucine 336 with valine.
Molecular consequence: missense variant. On other transcripts: non-coding transcript variant (3).
Genome position (GRCh38, 1-based): chrX:154,770,849, A>G. VCF-style: chrX-154770849-A-G. GRCh37 (hg19) VCF-style: chrX-153999124-A-G.
Other names: c.1006A>G, p.Ile336Val (NM_001142463.3, NM_001288747.2); short protein forms I336V.
Identifiers: ClinVar variation 1415526 (VCV001415526.8), dbSNP rs781943265, ClinGen allele CA10567132.

ClinVar aggregate classification (germline): Uncertain significance (1 of 4 stars; one submission).

Conditions:
Dyskeratosis congenita. Identifiers: Orphanet 1775, MedGen C0265965, MONDO:0015780.

Allele frequency attached by ClinVar (database versions not stated): ExAC 0.00001; gnomAD 0.00001; gnomAD exomes 0.00001; 1000 Genomes Project 30x 0.00021; 1000 Genomes Project 0.00026.

Submission:

Labcorp Genetics (formerly Invitae), Labcorp
Classification: Uncertain significance for Dyskeratosis congenita. Last evaluated: 2025-07-15. Review status: criteria provided, single submitter. Criteria: Invitae Variant Classification Sherloc (09022015). Collection method: clinical testing. Allele origin: germline.
Comment: This sequence change replaces isoleucine, which is neutral and non-polar, with valine, which is neutral and non-polar, at codon 336 of the DKC1 protein (p.Ile336Val). This variant is present in population databases (rs781943265, gnomAD 0.001%). This variant has not been reported in the literature in individuals affected with DKC1-related conditions. ClinVar contains an entry for this variant (Variation ID: 1415526). Invitae Evidence Modeling of protein sequence and biophysical properties (such as structural, functional, and spatial information, amino acid conservation, physicochemical variation, residue mobility, and thermodynamic stability) indicates that this missense variant is not expected to disrupt DKC1 protein function with a negative predictive value of 80%. In summary, the available evidence is currently insufficient to determine the role of this variant in disease. Therefore, it has been classified as a Variant of Uncertain Significance.